The following is an entry in ClinVar:

ClinVar aggregate classification (germline): Likely benign (1 of 4 stars; one submission).

gnomAD v4.1: 1 of 1,614,102 alleles (0.000062%); highest among the groups gnomAD compares: South Asian, 0.0011%; no homozygotes.

Submission:

CeGaT Center for Human Genetics Tuebingen
Classification: Likely benign. Last evaluated: 2026-06-01. Review status: criteria provided, single submitter. Criteria: CeGaT Center For Human Genetics Tuebingen Variant Classification Criteria Version 2. Collection method: clinical testing. Allele origin: germline. Affected: yes. Observed: 1 variant allele.
Comment: NIN: BP4

NM_020921.4(NIN):c.1599G>A (p.Leu533=)

Gene: NIN (ninein; minus strand). Cytogenetic location: 14q22.1.
Variant type: single nucleotide variant.
Coding change: c.1599G>A on transcript NM_020921.4 (MANE Select); coding-DNA position 1599, G replaced by A.
Protein change: p.Leu533=; no amino-acid change (leucine 533 retained).
Molecular consequence: synonymous variant.
Genome position (GRCh38, 1-based): chr14:50,766,343, C>T on the plus strand (G>A on the coding strand, the complement: NIN is on the minus strand). VCF-style: chr14-50766343-C-T. GRCh37 (hg19) VCF-style: chr14-51233061-C-T.
Other names: c.1599G>A, p.Leu533= (NM_016350.5, NM_182944.3, NM_182946.2).
Identifiers: ClinVar variation 4875506 (VCV004875506.2).